The following is an entry in ClinVar:

NM_032043.3(BRIP1):c.394A>G (p.Thr132Ala)

Gene: BRIP1 (BRCA1 interacting DNA helicase 1; minus strand). Cytogenetic location: 17q23.2.
Variant type: single nucleotide variant.
Coding change: c.394A>G on transcript NM_032043.3 (MANE Select); coding-DNA position 394, A replaced by G.
Protein change: p.Thr132Ala; replaces threonine 132 with alanine.
Molecular consequence: missense variant.
Genome position (GRCh38, 1-based): chr17:61,849,242, T>C on the plus strand (A>G on the coding strand, the complement: BRIP1 is on the minus strand). VCF-style: chr17-61849242-T-C. GRCh37 (hg19) VCF-style: chr17-59926603-T-C.
Other names: short protein forms T132A.
Identifiers: ClinVar variation 4216224 (VCV004216224.1).
Genomic context (GRCh38, chr17:61,849,242, plus strand): 5'-CATTTTCATCTCTGTATATGGATGCCTGTTTCTTAGCAGATAACTTTGCAGCCAGAGTGG[T>C]TTTTTCAGGGGAGTCTTATATAAGTAATTTAAAAAAAACAGCATAAATAACTTACAGGTA-3'
Protein context (NP_114432.2, residues 122-142): SSTCQDSPEK[Thr132Ala]TLAAKLSAKK

ClinVar aggregate classification (germline): Uncertain significance (1 of 4 stars; one submission).

Conditions:
Hereditary cancer-predisposing syndrome. Also called: Hereditary Cancer Syndrome; Hereditary neoplastic syndrome; Neoplastic Syndromes, Hereditary; Tumor predisposition. Identifiers: Orphanet 140162, MedGen C0027672, MeSH D009386, MONDO:0015356.

Submission:

Ambry Genetics
Classification: Uncertain significance for Hereditary cancer-predisposing syndrome. Last evaluated: 2025-09-07. Review status: criteria provided, single submitter. Criteria: Ambry Variant Classification Scheme 2023. Collection method: clinical testing. Allele origin: germline.
Comment: The p.T132A variant (also known as c.394A>G), located in coding exon 4 of the BRIP1 gene, results from an A to G substitution at nucleotide position 394. The threonine at codon 132 is replaced by alanine, an amino acid with similar properties. This amino acid position is conserved. In addition, this alteration is predicted to be tolerated by in silico analysis. Based on the available evidence, the clinical significance of this variant remains unclear.